The following is an entry in ClinVar:

NM_001382430.1(AKT1):c.1341C>G (p.Ile447Met)

Gene: AKT1 (AKT serine/threonine kinase 1; minus strand). Cytogenetic location: 14q32.33.
Variant type: single nucleotide variant.
Coding change: c.1341C>G on transcript NM_001382430.1 (MANE Select); coding-DNA position 1341, C replaced by G.
Protein change: p.Ile447Met; replaces isoleucine 447 with methionine.
Molecular consequence: missense variant.
Genome position (GRCh38, 1-based): chr14:104,770,767, G>C on the plus strand (C>G on the coding strand, the complement: AKT1 is on the minus strand). VCF-style: chr14-104770767-G-C. GRCh37 (hg19) VCF-style: chr14-105237104-G-C.
Other names: c.1341C>G, p.Ile447Met (NM_001014431.2, NM_001014432.2, NM_001382431.1 and 3 more transcripts); short protein forms I447M.
Identifiers: ClinVar variation 4267646 (VCV004267646.1).
Genomic context (GRCh38, chr14:104,770,767, plus strand): 5'-GAAAAGGGAGTGGGCGGGGGCAGGCAGTGGCCCCTCACCTTGGTCAGGTGGTGTGATGGT[G>C]ATCATCTGGGCCGTGAACTCCTCATCAAAATACCTGGTGTCAGTCTCCGACGTGACCTGG-3'
Protein context (NP_001369359.1, residues 437-457): YFDEEFTAQM[Ile447Met]TITPPDQDDS

ClinVar aggregate classification (germline): Uncertain significance (1 of 4 stars; one submission).

Conditions:
Inborn genetic diseases. Identifiers: MedGen C0950123, MeSH D030342.

Submission:

Ambry Genetics
Classification: Uncertain significance for Inborn genetic diseases. Last evaluated: 2025-08-22. Review status: criteria provided, single submitter. Criteria: Ambry Variant Classification Scheme 2023. Collection method: clinical testing. Allele origin: germline.
Comment: The p.I447M variant (also known as c.1341C>G), located in coding exon 12 of the AKT1 gene, results from a C to G substitution at nucleotide position 1341. The isoleucine at codon 447 is replaced by methionine, an amino acid with highly similar properties. This amino acid position is conserved. In addition, the in silico prediction for this alteration is inconclusive. Based on the available evidence, the clinical significance of this variant remains unclear.